The following is an entry in ClinVar:

ClinVar aggregate classification (germline): Uncertain significance (1 of 4 stars; one submission).

Conditions:
Hereditary cancer-predisposing syndrome. Also called: Tumor predisposition; Hereditary neoplastic syndrome; Hereditary Cancer Syndrome; Neoplastic Syndromes, Hereditary. Identifiers: Orphanet 140162, MedGen C0027672, MeSH D009386, MONDO:0015356.

Submission:

Ambry Genetics
Classification: Uncertain significance for Hereditary cancer-predisposing syndrome. Last evaluated: 2025-05-26. Review status: criteria provided, single submitter. Criteria: Ambry Variant Classification Scheme 2023. Collection method: clinical testing. Allele origin: germline.
Comment: The c.910-6_910-5delGGinsCT intronic variant begins 6 nucleotides before coding exon 10 in the POLE gene. This variant results from a deletion of GG and insertion of CT at positions c.910-6 to c.910-5. This nucleotide region is not well conserved in available vertebrate species. In silico splice site analysis predicts that this alteration may weaken the native splice acceptor site. Based on the available evidence, the clinical significance of this variant remains unclear.

NM_006231.4(POLE):c.910-6_910-5delinsCT

Gene: POLE (DNA polymerase epsilon, catalytic subunit; minus strand). Cytogenetic location: 12q24.33.
Variant type: Indel.
Coding change: c.910-6_910-5delinsCT on transcript NM_006231.4 (MANE Select); 6 bases into the intron before coding-DNA position 910 through 5 bases into the intron before coding-DNA position 910, GG replaced by CT.
Molecular consequence: intron variant.
Genome position (GRCh38, 1-based): chr12:132,676,209-132,676,210, CC replaced by AG on the plus strand (GG replaced by CT on the coding strand, the reverse complement: POLE is on the minus strand). VCF-style: chr12-132676209-CC-AG. GRCh37 (hg19) VCF-style: chr12-133252795-CC-AG.
Identifiers: ClinVar variation 3935776 (VCV003935776.1).